The following is an entry in ClinVar:

ClinVar aggregate classification (germline): Uncertain significance (1 of 4 stars; one submission).

Conditions:
Inborn genetic diseases. Identifiers: MedGen C0950123, MeSH D030342.

Submission:

Ambry Genetics
Classification: Uncertain significance for Inborn genetic diseases. Last evaluated: 2026-02-17. Review status: criteria provided, single submitter. Criteria: Ambry Variant Classification Scheme 2023. Collection method: clinical testing. Allele origin: germline.
Comment: The p.P1002A variant (also known as c.3004C>G), located in coding exon 30 of the RTEL1 gene, results from a C to G substitution at nucleotide position 3004. The proline at codon 1002 is replaced by alanine, an amino acid with highly similar properties. This amino acid position is conserved. In addition, this alteration is predicted to be tolerated by in silico analysis. Based on the available evidence, the clinical significance of this variant remains unclear.

NM_001283009.2(RTEL1):c.3004C>G (p.Pro1002Ala)

Genes: RTEL1 (regulator of telomere elongation helicase 1; plus strand), RTEL1-TNFRSF6B (RTEL1-TNFRSF6B readthrough (NMD candidate); plus strand). Cytogenetic location: 20q13.33.
Variant type: single nucleotide variant.
Coding change: c.3004C>G on transcript NM_001283009.2 (MANE Select); coding-DNA position 3004, C replaced by G.
Protein change: p.Pro1002Ala; replaces proline 1002 with alanine.
Molecular consequence: missense variant. On other transcripts: non-coding transcript variant (1).
Genome position (GRCh38, 1-based): chr20:63,694,383, C>G. VCF-style: chr20-63694383-C-G. GRCh37 (hg19) VCF-style: chr20-62325736-C-G.
Other names: c.2335C>G, p.Pro779Ala (NM_001283010.1); c.3004C>G, p.Pro1002Ala (NM_016434.4); c.3076C>G, p.Pro1026Ala (NM_032957.5); short protein forms P1002A, P1026A, P779A.
Identifiers: ClinVar variation 4825684 (VCV004825684.1).